The following is an entry in ClinVar:

NM_001282933.2(ZNF341):c.2378C>T (p.Pro793Leu)

Genes: ZNF341 (zinc finger protein 341; plus strand), ZNF341-AS1 (ZNF341 antisense RNA 1; minus strand). Cytogenetic location: 20q11.22.
Variant type: single nucleotide variant.
Coding change: c.2378C>T on transcript NM_001282933.2 (MANE Select); coding-DNA position 2378, C replaced by T.
Protein change: p.Pro793Leu; replaces proline 793 with leucine.
Molecular consequence: missense variant. On other transcripts: non-coding transcript variant (1).
Genome position (GRCh38, 1-based): chr20:33,791,330, C>T. VCF-style: chr20-33791330-C-T. GRCh37 (hg19) VCF-style: chr20-32379136-C-T.
Other names: c.2108C>T, p.Pro703Leu (NM_001282935.2); c.2357C>T, p.Pro786Leu (NM_032819.5); short protein forms P793L, P786L, P703L.
Identifiers: ClinVar variation 1522134 (VCV001522134.6), dbSNP rs1424732314, ClinGen allele CA408642536.

ClinVar aggregate classification (germline): Uncertain significance (1 of 4 stars; one submission).

Allele frequency attached by ClinVar (database versions not stated): gnomAD exomes below 0.00001; gnomAD 0.00001; TOPMed 0.00001.
gnomAD v4.1: 5 of 1,611,838 alleles (0.00031%); highest among the groups gnomAD compares: Non-Finnish European, 0.00042%; no homozygotes.

Submission:

Labcorp Genetics (formerly Invitae), Labcorp
Classification: Uncertain significance. Last evaluated: 2023-10-13. Review status: criteria provided, single submitter. Criteria: Invitae Variant Classification Sherloc (09022015). Collection method: clinical testing. Allele origin: germline.
Comment: This sequence change replaces proline, which is neutral and non-polar, with leucine, which is neutral and non-polar, at codon 786 of the ZNF341 protein (p.Pro786Leu). This variant is not present in population databases (gnomAD no frequency). This variant has not been reported in the literature in individuals affected with ZNF341-related conditions. ClinVar contains an entry for this variant (Variation ID: 1522134). An algorithm developed to predict the effect of missense changes on protein structure and function (PolyPhen-2) suggests that this variant is likely to be disruptive. In summary, the available evidence is currently insufficient to determine the role of this variant in disease. Therefore, it has been classified as a Variant of Uncertain Significance.